The following is an entry in ClinVar:

ClinVar aggregate classification (germline): Uncertain significance (1 of 4 stars; one submission).

Allele frequency attached by ClinVar (database versions not stated): gnomAD 0.00001; gnomAD exomes 0.00001.
gnomAD v4.1: 14 of 1,612,338 alleles (0.00087%); highest among the groups gnomAD compares: East Asian, 0.027%; no homozygotes.

Submission:

Labcorp Genetics (formerly Invitae), Labcorp
Classification: Uncertain significance. Last evaluated: 2022-07-05. Review status: criteria provided, single submitter. Criteria: Invitae Variant Classification Sherloc (09022015). Collection method: clinical testing. Allele origin: germline.
Comment: This sequence change replaces serine, which is neutral and polar, with phenylalanine, which is neutral and non-polar, at codon 1575 of the PTPN23 protein (p.Ser1575Phe). This variant is present in population databases (no rsID available, gnomAD 0.007%). This variant has not been reported in the literature in individuals affected with PTPN23-related conditions. Algorithms developed to predict the effect of missense changes on protein structure and function are either unavailable or do not agree on the potential impact of this missense change (SIFT: "Tolerated"; PolyPhen-2: "Not Available"; Align-GVGD: "Class C0"). In summary, the available evidence is currently insufficient to determine the role of this variant in disease. Therefore, it has been classified as a Variant of Uncertain Significance.

NM_015466.4(PTPN23):c.4724C>T (p.Ser1575Phe)

Gene: PTPN23 (protein tyrosine phosphatase non-receptor type 23; plus strand). Cytogenetic location: 3p21.31.
Variant type: single nucleotide variant.
Coding change: c.4724C>T on transcript NM_015466.4 (MANE Select); coding-DNA position 4724, C replaced by T.
Protein change: p.Ser1575Phe; replaces serine 1575 with phenylalanine.
Molecular consequence: missense variant.
Genome position (GRCh38, 1-based): chr3:47,412,998, C>T. VCF-style: chr3-47412998-C-T. GRCh37 (hg19) VCF-style: chr3-47454488-C-T.
Other names: c.4346C>T, p.Ser1449Phe (NM_001304482.2); short protein forms S1575F, S1449F.
Identifiers: ClinVar variation 2107327 (VCV002107327.3), dbSNP rs1217171507, ClinGen allele CA352568477.